The following is an entry in ClinVar:

NM_000447.3(PSEN2):c.422A>T (p.Asn141Ile)

Gene: PSEN2 (presenilin 2; plus strand). Cytogenetic location: 1q42.13.
Variant type: single nucleotide variant.
Coding change: c.422A>T on transcript NM_000447.3 (MANE Select); coding-DNA position 422, A replaced by T.
Protein change: p.Asn141Ile; replaces asparagine 141 with isoleucine.
Molecular consequence: missense variant.
Genome position (GRCh38, 1-based): chr1:226,885,603, A>T. VCF-style: chr1-226885603-A-T. GRCh37 (hg19) VCF-style: chr1-227073304-A-T.
Other names: c.422A>T, p.Asn141Ile (NM_012486.3); short protein forms N141I.
Identifiers: ClinVar variation 8845 (VCV000008845.57), dbSNP rs63750215, ClinGen allele CA224953.

ClinVar aggregate classification (germline): Pathogenic. Review status: criteria provided, multiple submitters, no conflicts (2 of 4 stars). 10 submissions from 10 submitters: Pathogenic (7). 3 of the submissions do not count toward it. Last evaluated 2026-01-01.

Conditions:
Alzheimer disease 4 (AD4). Identifiers: Orphanet 1020, MedGen C1847200, MONDO:0011743, OMIM 606889.

Submissions (10):

CeGaT Center for Human Genetics Tuebingen
Classification: Pathogenic. Last evaluated: 2026-01-01. Review status: criteria provided, single submitter. Criteria: CeGaT Center For Human Genetics Tuebingen Variant Classification Criteria Version 2. Collection method: clinical testing. Allele origin: germline. Affected: yes. Observed: 2 variant alleles.
Comment: PSEN2: PP1:Strong, PS4, PM2, PS3:Moderate, PP3

Labcorp Genetics (formerly Invitae), Labcorp
Classification: Pathogenic for Alzheimer disease 4. Last evaluated: 2025-12-06. Review status: criteria provided, single submitter. Criteria: Invitae Variant Classification Sherloc (09022015). Collection method: clinical testing. Allele origin: germline.
Comment: This sequence change replaces asparagine, which is neutral and polar, with isoleucine, which is neutral and non-polar, at codon 141 of the PSEN2 protein (p.Asn141Ile). This variant is not present in population databases (gnomAD no frequency). This missense change has been observed in individual(s) with early onset Alzheimer's disease (PMID: 7638622, 7651536, 16533963, 18833506, 19073399, 20457965, 24928124, 26166204). It is commonly reported in individuals of German ancestry (PMID: 7651536, 16533963, 18833506, 19073399, 20457965, 24928124). ClinVar contains an entry for this variant (Variation ID: 8845). Invitae Evidence Modeling of protein sequence and biophysical properties (such as structural, functional, and spatial information, amino acid conservation, physicochemical variation, residue mobility, and thermodynamic stability) indicates that this missense variant is expected to disrupt PSEN2 protein function with a positive predictive value of 80%. Experimental studies have shown that this missense change affects PSEN2 function (PMID: 8986743, 9050898, 15663477, 16959576, 20634584, 21234330, 22115042, 22249458). For these reasons, this variant has been classified as Pathogenic.

Institute of Human Genetics, University of Leipzig Medical Center
Classification: Pathogenic for Alzheimer disease 4. Last evaluated: 2025-08-19. Review status: criteria provided, single submitter. Criteria: ACMG Guidelines, 2015. Collection method: clinical testing. Allele origin: unknown. Inheritance: Autosomal dominant inheritance. Affected: yes.
Comment: Criteria applied: PS3,PS4,PM2,PM5,PP3,PP4

Women's Health and Genetics/Laboratory Corporation of America, LabCorp
Classification: Pathogenic for Alzheimer disease 4. Last evaluated: 2024-02-29. Review status: criteria provided, single submitter. Criteria: LabCorp Variant Classification Summary - May 2015. Collection method: clinical testing. Allele origin: germline.
Comment: Variant summary: PSEN2 c.422A>T (p.Asn141Ile) results in a non-conservative amino acid change in the encoded protein sequence. Five of five in-silico tools predict a damaging effect of the variant on protein function. The variant was absent in 251120 control chromosomes (gnomAD). c.422A>T has been reported in the literature in multiple individuals affected with Alzheimer Disease (e.g. Leverenz_2006, Muchnik_2015). These data indicate that the variant is very likely to be associated with disease. Publications report experimental evidence evaluating an impact on protein function, finding that the variant alters PSEN2 function (e.g. Tu_2006, Nam_2022). The following publications have been ascertained in the context of this evaluation (PMID: 26166204, 16533963, 35418126, 16959576). ClinVar contains an entry for this variant (Variation ID: 8845). Based on the evidence outlined above, the variant was classified as pathogenic.

Athena Diagnostics
Classification: Pathogenic. Last evaluated: 2023-11-21. Review status: criteria provided, single submitter. Criteria: Athena Diagnostics Criteria. Collection method: clinical testing. Allele origin: unknown.
Comment: This variant associates with Alzheimer disease in multiple families. This variant has not been reported in large, multi-ethnic general populations. (Genome Aggregation Database (gnomAD), Cambridge, MA (URL)) Assessment of experimental evidence suggests this variant results in abnormal protein function. (PMID: 9050898, 10846187, 15663477, 22249458, 31020001, 35992913)

Institute of Medical Genetics and Applied Genomics, University Hospital Tübingen
Classification: Pathogenic for Alzheimer disease 4. Last evaluated: 2022-08-12. Review status: criteria provided, single submitter. Criteria: ACMG Guidelines, 2015. Collection method: clinical testing. Allele origin: germline. Inheritance: Autosomal dominant inheritance. Affected: yes.

GeneDx
Classification: Pathogenic. Last evaluated: 2022-03-31. Review status: criteria provided, single submitter. Criteria: GeneDx Variant Classification Process June 2021. Collection method: clinical testing. Allele origin: germline. Affected: yes.
Comment: Published functional studies demonstrate N141I resulted in impaired secretase activity as well as exaggerated inflammatory cytokine release, NFKB activity, and A-beta internalization (Fung et al., 2020); Not observed at significant frequency in large population cohorts (gnomAD); In silico analysis supports that this missense variant has a deleterious effect on protein structure/function; This variant is associated with the following publications: (PMID: 20457965, 7651536, 33084218, 30412492, 31020001, 25323700, 24594196, 24093083, 20301414, 22805202, 21911706, 22505025, 21559247, 20333730, 7638622, 16533963, 15776278, 16155344, 15663477, 15389756, 9813158, 10846187, 8939861, 7550356, 9050898, 8986743, 22115042, 23365231, 16959576, 20634584, 21234330, 22249458, 30954774, 26166204, 9450781, 24928124, 8661049, 19073399, 18833506, 20375137, 30822648, 32087291, 32032730, 32741831)

OMIM
Classification: Pathogenic for ALZHEIMER DISEASE, FAMILIAL, 4. Last evaluated: 2011-09-01. Review status: no assertion criteria provided. Collection method: literature only. Allele origin: germline. Not counted in ClinVar's aggregate classification.

GeneReviews
No classification provided. Condition: Alzheimer disease 4. Review status: no classification provided. Collection method: literature only. Allele origin: unknown. Not counted in ClinVar's aggregate classification.

VIB  Department of Molecular Genetics, University of Antwerp
No classification provided. Review status: no classification provided. Collection method: not provided. Allele origin: unknown. Not counted in ClinVar's aggregate classification.

Literature cited by the submitters: PubMed 7638622 (cited by 4 submitters); PubMed 7651536 (cited by 4 submitters); PubMed 16533963 (cited by 3 submitters); PubMed 18833506 (cited by Labcorp Genetics (formerly Invitae), Labcorp and Athena Diagnostics); PubMed 19073399 (cited by Labcorp Genetics (formerly Invitae), Labcorp and Athena Diagnostics); PubMed 20457965 (cited by 3 submitters); PubMed 24928124 (cited by Labcorp Genetics (formerly Invitae), Labcorp); PubMed 26166204 (cited by 3 submitters); PubMed 8986743 (cited by Labcorp Genetics (formerly Invitae), Labcorp and Athena Diagnostics); PubMed 9050898 (cited by 4 submitters); PubMed 15663477 (cited by Labcorp Genetics (formerly Invitae), Labcorp and Athena Diagnostics); PubMed 16959576 (cited by 3 submitters); PubMed 20634584 (cited by Labcorp Genetics (formerly Invitae), Labcorp and Athena Diagnostics); PubMed 21234330 (cited by Labcorp Genetics (formerly Invitae), Labcorp and Athena Diagnostics); PubMed 22115042 (cited by Labcorp Genetics (formerly Invitae), Labcorp); PubMed 22249458 (cited by Labcorp Genetics (formerly Invitae), Labcorp and Athena Diagnostics); PubMed 35418126 (cited by Women's Health and Genetics/Laboratory Corporation of America, LabCorp); PubMed 15776278 (cited by Athena Diagnostics); PubMed 8939861 (cited by Athena Diagnostics); PubMed 8661049 (cited by Athena Diagnostics); PubMed 10846187 (cited by Athena Diagnostics); PubMed 22505025 (cited by Athena Diagnostics); PubMed 31020001 (cited by Athena Diagnostics); PubMed 30954774 (cited by Athena Diagnostics); PubMed 30822648 (cited by Athena Diagnostics); PubMed 30412492 (cited by Athena Diagnostics); PubMed 35992913 (cited by Athena Diagnostics); PubMed 9813158 (cited by OMIM and GeneReviews); PubMed 15389756 (cited by OMIM); PubMed 7550356 (cited by OMIM); PubMed 21911706 (cited by OMIM); PubMed 20301414 (cited by GeneReviews); NCBI Bookshelf NBK1236 (cited by GeneReviews).